The following is an entry in ClinVar:

ClinVar aggregate classification (germline): Uncertain significance. Review status: criteria provided, multiple submitters, no conflicts (2 of 4 stars). 6 submissions from 6 submitters: Uncertain significance (5). 1 of the submissions does not count toward it. Last evaluated 2024-05-02.

Conditions:
Dyskeratosis congenita. Identifiers: Orphanet 1775, MedGen C0265965, MONDO:0015780.
Dyskeratosis congenita, autosomal recessive 5 (DKCB5). Identifiers: MedGen C3554656, MONDO:0014076, OMIM 615190.
Pulmonary fibrosis and/or bone marrow failure, Telomere-related, 3. Also called: PULMONARY FIBROSIS AND/OR BONE MARROW FAILURE SYNDROME, TELOMERE-RELATED, 3. Identifiers: Orphanet 2032, MedGen C4225346, MONDO:0014613, OMIM 616373.

Allele frequency attached by ClinVar (database versions not stated): gnomAD 0.00011 and 0.00012; TOPMed 0.00014; ESP Exome Variant Server 0.00015; 1000 Genomes Project 30x 0.00016; 1000 Genomes Project 0.00020.

Submissions (6):

Labcorp Genetics (formerly Invitae), Labcorp
Classification: Uncertain significance for Dyskeratosis congenita, autosomal recessive 5; Pulmonary fibrosis and/or bone marrow failure, Telomere-related, 3. Last evaluated: 2024-05-02. Review status: criteria provided, single submitter. Criteria: Invitae Variant Classification Sherloc (09022015). Collection method: clinical testing. Allele origin: germline.
Comment: This sequence change replaces proline, which is neutral and non-polar, with leucine, which is neutral and non-polar, at codon 884 of the RTEL1 protein (p.Pro884Leu). This variant is present in population databases (rs199698251, gnomAD 0.04%). This missense change has been observed in individual(s) with aplastic anemia (PMID: 29344583). This variant is also known as c.2723C>T. ClinVar contains an entry for this variant (Variation ID: 436591). Algorithms developed to predict the effect of missense changes on protein structure and function output the following: SIFT: "Not Available"; PolyPhen-2: "Benign"; Align-GVGD: "Not Available". The leucine amino acid residue is found in multiple mammalian species, which suggests that this missense change does not adversely affect protein function. In summary, the available evidence is currently insufficient to determine the role of this variant in disease. Therefore, it has been classified as a Variant of Uncertain Significance.

Mayo Clinic Laboratories, Mayo Clinic
Classification: Uncertain significance. Last evaluated: 2022-10-05. Review status: criteria provided, single submitter. Criteria: ACMG Guidelines, 2015. Collection method: clinical testing. Allele origin: germline. Observed: 2 variant alleles.
Comment: BP4

Mendelics
Classification: Uncertain significance. Last evaluated: 2022-05-04. Review status: criteria provided, single submitter. Criteria: Mendelics Assertion Criteria 2019. Collection method: clinical testing. Allele origin: germline.

Sema4
Classification: Uncertain significance for Dyskeratosis congenita. Last evaluated: 2022-01-30. Review status: criteria provided, single submitter. Criteria: Sema4 Curation Guidelines. Collection method: curation. Allele origin: germline.
Comment: The RTEL1 c.2651C>T (p.P884L) has been reported as heterozygous in at least two individuals with aplastic anemia (PMID: 29344583, 30523342). This variant was observed in 27/276468 chromosomes in the large and broad cohorts of the Genome Aggregation Database (PMID: 32461654). The variant has been reported in ClinVar (Variation ID: 436591). In silico tools suggest the impact of the variant on protein function is benign, though these predictions have not been confirmed by functional studies. There is no indication that this variant causes disease, but the evidence is insufficient currently to prove that conclusively. Based on the current evidence available, this variant is interpreted as a variant of uncertain significance.

Genetic Services Laboratory, University of Chicago
Classification: Uncertain significance. Last evaluated: 2015-11-18. Review status: criteria provided, single submitter. Criteria: ACMG Guidelines, 2015. Collection method: clinical testing. Allele origin: germline. Affected: no.

Natera, Inc.
Classification: Uncertain significance for Dyskeratosis congenita. Last evaluated: 2020-03-17. Review status: no assertion criteria provided. Collection method: clinical testing. Allele origin: germline. Not counted in ClinVar's aggregate classification.

Literature cited by the submitters: PubMed 29344583 (cited by Labcorp Genetics (formerly Invitae), Labcorp and Sema4); PubMed 30523342 (cited by Sema4).

NM_001283009.2(RTEL1):c.2651C>T (p.Pro884Leu)

Genes: RTEL1 (regulator of telomere elongation helicase 1; plus strand), RTEL1-TNFRSF6B (RTEL1-TNFRSF6B readthrough (NMD candidate); plus strand). Cytogenetic location: 20q13.33.
Variant type: single nucleotide variant.
Coding change: c.2651C>T on transcript NM_001283009.2 (MANE Select); coding-DNA position 2651, C replaced by T.
Protein change: p.Pro884Leu; replaces proline 884 with leucine.
Molecular consequence: missense variant. On other transcripts: non-coding transcript variant (1).
Genome position (GRCh38, 1-based): chr20:63,691,836, C>T. VCF-style: chr20-63691836-C-T. GRCh37 (hg19) VCF-style: chr20-62323189-C-T.
Other names: c.1982C>T, p.Pro661Leu (NM_001283010.1); c.2651C>T, p.Pro884Leu (NM_016434.4); c.2723C>T, p.Pro908Leu (NM_032957.5); short protein forms P884L, P908L, P661L.
Identifiers: ClinVar variation 436591 (VCV000436591.17), dbSNP rs199698251, ClinGen allele CA9965444.